The following is an entry in ClinVar:

NM_000363.5(TNNI3):c.549+211A>G

Gene: TNNI3 (troponin I3, cardiac type; minus strand). Cytogenetic location: 19q13.42.
Variant type: single nucleotide variant.
Coding change: c.549+211A>G on transcript NM_000363.5 (MANE Select); 211 bases into the intron after coding-DNA position 549, A replaced by G.
Molecular consequence: intron variant.
Genome position (GRCh38, 1-based): chr19:55,153,819, T>C on the plus strand (A>G on the coding strand, the complement: TNNI3 is on the minus strand). VCF-style: chr19-55153819-T-C. GRCh37 (hg19) VCF-style: chr19-55665187-T-C.
Identifiers: ClinVar variation 675346 (VCV000675346.1), dbSNP rs10414493, ClinGen allele CA310146126.
Genomic context (GRCh38, chr19:55,153,819, plus strand): 5'-AAAAATTTTTTTTAAACCTCAAAGATTACAGGCATAAGCCACTGCACCTGGACCTTCATG[T>C]ACCTCTTTGCTCTTACATGGACTTCCTGTAGCCCTAATGCACTTCCTGTCTTCCCCTTCT-3'

ClinVar aggregate classification (germline): Benign (1 of 4 stars; one submission).

Allele frequency attached by ClinVar (database versions not stated): TOPMed 0.03342; 1000 Genomes Project 0.03474; 1000 Genomes Project 30x 0.04154; gnomAD 0.06837.

Submission:

GeneDx
Classification: Benign. Last evaluated: 2018-06-19. Review status: criteria provided, single submitter. Criteria: GeneDx Variant Classification (06012015). Collection method: clinical testing. Allele origin: germline. Affected: yes.
Comment: This variant is considered likely benign or benign based on one or more of the following criteria: it is a conservative change, it occurs at a poorly conserved position in the protein, it is predicted to be benign by multiple in silico algorithms, and/or has population frequency not consistent with disease.